The following is an entry in ClinVar:

NM_002332.3(LRP1):c.2910G>A (p.Ser970=)

Gene: LRP1 (LDL receptor related protein 1; plus strand). Cytogenetic location: 12q13.3.
Variant type: single nucleotide variant.
Coding change: c.2910G>A on transcript NM_002332.3 (MANE Select); coding-DNA position 2910, G replaced by A.
Protein change: p.Ser970=; no amino-acid change (serine 970 retained).
Molecular consequence: synonymous variant.
Genome position (GRCh38, 1-based): chr12:57,167,042, G>A. VCF-style: chr12-57167042-G-A. GRCh37 (hg19) VCF-style: chr12-57560825-G-A.
Identifiers: ClinVar variation 4533499 (VCV004533499.7).

ClinVar aggregate classification (germline): Likely benign. Review status: criteria provided, multiple submitters, no conflicts (2 of 4 stars). 2 submissions from 2 submitters: Likely benign (2). Last evaluated 2025-10-01.

gnomAD v4.1: 2,041 of 1,613,162 alleles (0.13%); highest among the groups gnomAD compares: South Asian, 0.42%; 7 homozygotes.

Submissions (2):

CeGaT Center for Human Genetics Tuebingen
Classification: Likely benign. Last evaluated: 2025-10-01. Review status: criteria provided, single submitter. Criteria: CeGaT Center For Human Genetics Tuebingen Variant Classification Criteria Version 2. Collection method: clinical testing. Allele origin: germline. Affected: yes. Observed: 1 variant allele.
Comment: LRP1: BP4, BP7

Blueprint Genetics
Classification: Likely benign. Last evaluated: 2024-11-15. Review status: criteria provided, single submitter. Criteria: ACMG Guidelines, 2015. Collection method: clinical testing. Allele origin: germline.